The following is an entry in ClinVar:

ClinVar aggregate classification (germline): Uncertain significance (1 of 4 stars; one submission).

Conditions:
Developmental and epileptic encephalopathy, 8 (DEE8). Also called: HYPEREKPLEXIA AND EPILEPSY. Identifiers: Orphanet 163985, Orphanet 2076, MedGen C1845102, MONDO:0010375, OMIM 300607.

Allele frequency attached by ClinVar (database versions not stated): gnomAD exomes below 0.00001 and 0.00001.
gnomAD v4.1: 2 of 1,211,579 alleles (0.00017%); highest among the groups gnomAD compares: Non-Finnish European, 0.00022%; no homozygotes.

Submission:

Labcorp Genetics (formerly Invitae), Labcorp
Classification: Uncertain significance for Developmental and epileptic encephalopathy, 8. Last evaluated: 2020-02-24. Review status: criteria provided, single submitter. Criteria: Invitae Variant Classification Sherloc (09022015). Collection method: clinical testing. Allele origin: germline.
Comment: This sequence change replaces histidine with tyrosine at codon 19 of the ARHGEF9 protein (p.His19Tyr). The histidine residue is moderately conserved and there is a moderate physicochemical difference between histidine and tyrosine. This variant is not present in population databases (ExAC no frequency). This variant has not been reported in the literature in individuals with ARHGEF9-related disease. Algorithms developed to predict the effect of missense changes on protein structure and function are either unavailable or do not agree on the potential impact of this missense change (SIFT: "Deleterious"; PolyPhen-2: "Probably Damaging"; Align-GVGD: "Class C0"). In summary, the available evidence is currently insufficient to determine the role of this variant in disease. Therefore, it has been classified as a Variant of Uncertain Significance.

NM_001353921.2(ARHGEF9):c.76C>T (p.His26Tyr)

Gene: ARHGEF9 (Cdc42 guanine nucleotide exchange factor 9; minus strand). Cytogenetic location: Xq11.1.
Variant type: single nucleotide variant.
Coding change: c.76C>T on transcript NM_001353921.2 (MANE Select); coding-DNA position 76, C replaced by T.
Protein change: p.His26Tyr; replaces histidine 26 with tyrosine.
Molecular consequence: missense variant. On other transcripts: 5 prime UTR variant (13), intron variant (6).
Genome position (GRCh38, 1-based): chrX:63,724,666, G>A on the plus strand (C>T on the coding strand, the complement: ARHGEF9 is on the minus strand). VCF-style: chrX-63724666-G-A. GRCh37 (hg19) VCF-style: chrX-62944546-G-A.
Other names: c.-9C>T (NM_001353927.2, NM_001369033.1, NM_001369034.1 and 8 more transcripts); c.55C>T, p.His19Tyr (NM_001353928.2, NM_001369030.1, NM_001369031.1 and 2 more transcripts); c.-388C>T (NM_001369042.1); c.-628C>T (NM_001369045.1); c.31-18217C>T (NM_001173479.2); c.10-18217C>T (NM_001369040.1, NM_001369039.1, NM_001353926.2 and 1 more transcripts); c.-117-18217C>T (NM_001173480.2); c.76C>T, p.His26Tyr (NM_001353922.2); and 1 more; short protein forms H19Y, H26Y, H32Y.
Identifiers: ClinVar variation 654805 (VCV000654805.9), dbSNP rs1569491711, ClinGen allele CA413404404.